The following is an entry in ClinVar:

NM_004006.3(DMD):c.6179C>T (p.Thr2060Ile)

Gene: DMD (dystrophin; minus strand). Cytogenetic location: Xp21.1.
Variant type: single nucleotide variant.
Coding change: c.6179C>T on transcript NM_004006.3 (MANE Select); coding-DNA position 6179, C replaced by T.
Protein change: p.Thr2060Ile; replaces threonine 2060 with isoleucine.
Molecular consequence: missense variant.
Genome position (GRCh38, 1-based): chrX:32,287,640, G>A on the plus strand (C>T on the coding strand, the complement: DMD is on the minus strand). VCF-style: chrX-32287640-G-A. GRCh37 (hg19) VCF-style: chrX-32305757-G-A.
Other names: p.T2060I:ACA>ATA; c.6155C>T, p.Thr2052Ile (NM_000109.4); c.6167C>T, p.Thr2056Ile (NM_004009.3); c.5810C>T, p.Thr1937Ile (NM_004010.3); c.2156C>T, p.Thr719Ile (NM_004011.4); c.2147C>T, p.Thr716Ile (NM_004012.4); short protein forms T2060I, T1937I, T2052I, T716I, T2056I, T719I.
Identifiers: ClinVar variation 201738 (VCV000201738.10), dbSNP rs794729000, ClinGen allele CA308364.

ClinVar aggregate classification (germline): Uncertain significance. Review status: criteria provided, multiple submitters, no conflicts (2 of 4 stars). 4 submissions from 4 submitters: Uncertain significance (3). 1 of the submissions does not count toward it. Last evaluated 2024-04-20.

Conditions:
Cardiomyopathy (CMYO). Also called: Cardiomyopathies. Identifiers: Orphanet 167848, MedGen C0878544, MONDO:0004994, HP:0001638. Inheritance: Various modes of inheritance.
Duchenne muscular dystrophy (DMD). Also called: MUSCULAR DYSTROPHY, PSEUDOHYPERTROPHIC PROGRESSIVE, DUCHENNE TYPE; Duchenne Muscular Dystrophy (DMD). Identifiers: Orphanet 98896, MedGen C0013264, MONDO:0010679, OMIM 310200.
Becker muscular dystrophy (BMD). Also called: Becker Muscular Dystrophy (BMD); MUSCULAR DYSTROPHY, PSEUDOHYPERTROPHIC PROGRESSIVE, BECKER TYPE. Identifiers: Orphanet 98895, MedGen C0917713, MONDO:0010311, OMIM 300376.
Dystrophin deficiency.
Cardiovascular phenotype. Identifiers: MedGen CN230736.

Allele frequency attached by ClinVar (database versions not stated): gnomAD exomes below 0.00001; TOPMed 0.00001.
gnomAD v4.1: 2 of 1,209,924 alleles (0.00017%); highest among the groups gnomAD compares: Non-Finnish European, 0.00022%; no homozygotes.

Submissions (4):

Labcorp Genetics (formerly Invitae), Labcorp
Classification: Uncertain significance for Duchenne muscular dystrophy. Last evaluated: 2024-04-20. Review status: criteria provided, single submitter. Criteria: Invitae Variant Classification Sherloc (09022015). Collection method: clinical testing. Allele origin: germline.
Comment: This sequence change replaces threonine, which is neutral and polar, with isoleucine, which is neutral and non-polar, at codon 2060 of the DMD protein (p.Thr2060Ile). This variant is not present in population databases (gnomAD no frequency). This variant has not been reported in the literature in individuals affected with DMD-related conditions. ClinVar contains an entry for this variant (Variation ID: 201738). Advanced modeling of protein sequence and biophysical properties (such as structural, functional, and spatial information, amino acid conservation, physicochemical variation, residue mobility, and thermodynamic stability) performed at Invitae indicates that this missense variant is not expected to disrupt DMD protein function with a negative predictive value of 95%. In summary, the available evidence is currently insufficient to determine the role of this variant in disease. Therefore, it has been classified as a Variant of Uncertain Significance.

Ambry Genetics
Classification: Uncertain significance for Cardiovascular phenotype. Last evaluated: 2020-08-06. Review status: criteria provided, single submitter. Criteria: Ambry Variant Classification Scheme 2023. Collection method: clinical testing. Allele origin: germline.
Comment: The p.T2060I variant (also known as c.6179C>T), located in coding exon 43 of the DMD gene, results from a C to T substitution at nucleotide position 6179. The threonine at codon 2060 is replaced by isoleucine, an amino acid with similar properties. This amino acid position is not well conserved in available vertebrate species. In addition, this alteration is predicted to be tolerated by in silico analysis. Since supporting evidence is limited at this time, the clinical significance of this alteration remains unclear.

GeneDx
Classification: Uncertain significance. Last evaluated: 2014-02-26. Review status: criteria provided, single submitter. Criteria: GeneDx Variant Classification (06012015). Collection method: clinical testing. Allele origin: germline. Affected: yes.
Comment: p.Thr2060Ile (ACA>ATA): c.6179 C>T in exon 43 of the DMD gene (NM_004006.2). The T2060I variant in the DMD gene has not been reported as a disease-causing mutation or as a benign polymorphism to our knowledge. The T2060I variant was not observed in approximately 6500 individuals of European and African American ancestry in the NHLBI Exome Sequencing Project, indicating it is not a common benign variant in these populations. T2060 is a non-conservative amino acid substitution as these residues differ in polarity, charge, size and/or other properties and is more likely to impact secondary structure. However, the T2060 residue is not well conserved across species and in silico analysis predicts T2060I is benign to the protein structure/function. Additionally, missense mutations in nearby residues have not been reported, indicating this region of the protein may tolerate change. With the clinical and molecular information available at this time, we cannot definitively determine if T2060I is a disease-causing mutation or a rare benign variant. The variant is found in CARDIOMYOPATHY panel(s).

Natera, Inc.
Classification: Uncertain significance for Becker muscular dystrophy; Cardiomyopathy; Duchenne muscular dystrophy; Dystrophin deficiency. Last evaluated: 2020-05-13. Review status: no assertion criteria provided. Collection method: clinical testing. Allele origin: germline. Not counted in ClinVar's aggregate classification.